The following is an entry in ClinVar:

NM_182914.3(SYNE2):c.15611C>T (p.Ser5204Leu)

Gene: SYNE2 (spectrin repeat containing nuclear envelope protein 2; plus strand). Cytogenetic location: 14q23.2.
Variant type: single nucleotide variant.
Coding change: c.15611C>T on transcript NM_182914.3 (MANE Select); coding-DNA position 15611, C replaced by T.
Protein change: p.Ser5204Leu; replaces serine 5204 with leucine.
Molecular consequence: missense variant.
Genome position (GRCh38, 1-based): chr14:64,146,195, C>T. VCF-style: chr14-64146195-C-T. GRCh37 (hg19) VCF-style: chr14-64612913-C-T.
Other names: c.15611C>T, p.Ser5204Leu (NM_015180.6); short protein forms S5204L.
Identifiers: ClinVar variation 1923262 (VCV001923262.5), dbSNP rs2549417055, ClinGen allele CA389947552.
Genomic context (GRCh38, chr14:64,146,195, plus strand): 5'-ACTGGCTGGAAGCACAAGAAGAGAGACTGAAAACTTTACAAAAACCTGAAAGTGTGATCT[C>T]AGTGCAGAAGCTGCTCCTGGACTGTCAGGTGAGGAGGGGAACAGCATCCCACCCAACCCG-3'
Protein context (NP_878918.2, residues 5194-5214): KTLQKPESVI[Ser5204Leu]VQKLLLDCQD

ClinVar aggregate classification (germline): Uncertain significance (1 of 4 stars; one submission).

Conditions:
Emery-Dreifuss muscular dystrophy 5, autosomal dominant (EDMD5). Also called: EMERY-DREIFUSS MUSCULAR DYSTROPHY 5. Identifiers: Orphanet 261, MedGen C2751805, MONDO:0013072, OMIM 612999.

Submission:

Labcorp Genetics (formerly Invitae), Labcorp
Classification: Uncertain significance for Emery-Dreifuss muscular dystrophy 5, autosomal dominant. Last evaluated: 2022-11-08. Review status: criteria provided, single submitter. Criteria: Invitae Variant Classification Sherloc (09022015). Collection method: clinical testing. Allele origin: germline.
Comment: In summary, the available evidence is currently insufficient to determine the role of this variant in disease. Therefore, it has been classified as a Variant of Uncertain Significance. Algorithms developed to predict the effect of missense changes on protein structure and function are either unavailable or do not agree on the potential impact of this missense change (SIFT: "Deleterious"; PolyPhen-2: "Probably Damaging"; Align-GVGD: "Class C0"). This variant has not been reported in the literature in individuals affected with SYNE2-related conditions. This variant is not present in population databases (gnomAD no frequency). This sequence change replaces serine, which is neutral and polar, with leucine, which is neutral and non-polar, at codon 5204 of the SYNE2 protein (p.Ser5204Leu).